The following is an entry in ClinVar:

NM_005045.4(RELN):c.6245G>T (p.Gly2082Val)

Gene: RELN (reelin; minus strand). Cytogenetic location: 7q22.1.
Variant type: single nucleotide variant.
Coding change: c.6245G>T on transcript NM_005045.4 (MANE Select); coding-DNA position 6245, G replaced by T.
Protein change: p.Gly2082Val; replaces glycine 2082 with valine.
Molecular consequence: missense variant.
Genome position (GRCh38, 1-based): chr7:103,551,124, C>A on the plus strand (G>T on the coding strand, the complement: RELN is on the minus strand). VCF-style: chr7-103551124-C-A. GRCh37 (hg19) VCF-style: chr7-103191571-C-A.
Other names: c.6245G>T, p.Gly2082Val (NM_173054.3); short protein forms G2082V.
Identifiers: ClinVar variation 1055651 (VCV001055651.9), dbSNP rs2117153080, ClinGen allele CA368737825.

ClinVar aggregate classification (germline): Uncertain significance (1 of 4 stars; one submission).

Conditions:
Norman-Roberts syndrome (LIS2). Also called: Lissencephaly 2 (Norman-Roberts type). Identifiers: Orphanet 89844, MedGen C0796089, MONDO:0009760, OMIM 257320.
Familial temporal lobe epilepsy 7. Identifiers: Orphanet 101046, MedGen C4225327, MONDO:0014639, OMIM 616436.

Submission:

Labcorp Genetics (formerly Invitae), Labcorp
Classification: Uncertain significance for Familial temporal lobe epilepsy 7; Norman-Roberts syndrome. Last evaluated: 2020-08-11. Review status: criteria provided, single submitter. Criteria: Invitae Variant Classification Sherloc (09022015). Collection method: clinical testing. Allele origin: germline.
Comment: This sequence change replaces glycine with valine at codon 2082 of the RELN protein (p.Gly2082Val). The glycine residue is highly conserved and there is a moderate physicochemical difference between glycine and valine. This variant is not present in population databases (ExAC no frequency). In summary, the available evidence is currently insufficient to determine the role of this variant in disease. Therefore, it has been classified as a Variant of Uncertain Significance. Algorithms developed to predict the effect of missense changes on protein structure and function are either unavailable or do not agree on the potential impact of this missense change (SIFT: "Deleterious"; PolyPhen-2: "Probably Damaging"; Align-GVGD: "Class C0"). This variant has not been reported in the literature in individuals with RELN-related conditions.